The following is an entry in ClinVar:

NM_025114.4(CEP290):c.281_282del (p.Leu94fs)

Gene: CEP290 (centrosomal protein 290; minus strand). Cytogenetic location: 12q21.32.
Variant type: Deletion.
Coding change: c.281_282del on transcript NM_025114.4 (MANE Select); coding-DNA positions 281 to 282, 2 bases deleted (TG; older notation c.281_282delTG).
Protein change: p.Leu94fs; shifts the reading frame from leucine 94.
Molecular consequence: frameshift variant.
Genome position (GRCh38, 1-based): chr12:88,139,160-88,139,161, CA deleted on the plus strand (TG on the coding strand, the reverse complement: CEP290 is on the minus strand). VCF-style (leftmost placement, unchanged base first): chr12-88139159-CCA-C. GRCh37 (hg19) VCF-style: chr12-88532936-CCA-C.
Other names: short protein forms L94fs.
Identifiers: ClinVar variation 4816204 (VCV004816204.1).

ClinVar aggregate classification (germline): Likely pathogenic (1 of 4 stars; one submission).

Conditions:
Leber congenital amaurosis (LCA). Also called: Leber's amaurosis. Identifiers: Orphanet 65, MedGen C0339527, MeSH D057130, MONDO:0018998.

Submission:

Natera, Inc.
Classification: Likely pathogenic for Leber congenital amaurosis. Last evaluated: 2025-06-06. Review status: criteria provided, single submitter. Criteria: Natera Variant Classification Schema (03/2026). Collection method: clinical testing. Allele origin: germline.
Comment: The c.281_282del variant in CEP290 is a frameshift variant predicted to shift the reading frame beginning at codon 94 and leads to a stop codon 3 codons downstream. This variant is expected to result in nonsense mediated decay, truncation, or a dysfunctional protein product. This variant is rare in the general population with a frequency below the threshold expected for the associated phenotype(s). Given the available evidence, this variant is classified as Likely Pathogenic.